The following is an entry in ClinVar:

NM_001282933.2(ZNF341):c.1406A>C (p.Asn469Thr)

Gene: ZNF341 (zinc finger protein 341; plus strand). Cytogenetic location: 20q11.22.
Variant type: single nucleotide variant.
Coding change: c.1406A>C on transcript NM_001282933.2 (MANE Select); coding-DNA position 1406, A replaced by C.
Protein change: p.Asn469Thr; replaces asparagine 469 with threonine.
Molecular consequence: missense variant. On other transcripts: non-coding transcript variant (1).
Genome position (GRCh38, 1-based): chr20:33,767,034, A>C. VCF-style: chr20-33767034-A-C. GRCh37 (hg19) VCF-style: chr20-32354840-A-C.
Other names: c.1136A>C, p.Asn379Thr (NM_001282935.2); c.1385A>C, p.Asn462Thr (NM_032819.5); short protein forms N379T, N462T, N469T.
Identifiers: ClinVar variation 1913647 (VCV001913647.6), dbSNP rs777205163, ClinGen allele CA9819430.
Genomic context (GRCh38, chr20:33,767,034, plus strand): 5'-TCTGCCCCAGCAAATTCAGCACCTACTTCCAGCTCAAGTCTCACATGACCCAGCATAAGA[A>C]TGAGCAGGTAGGTGGATGGTGGCAGCAGGGGCCCACACCACACCAGTCGAAACCTTTCAC-3'
Protein context (NP_001269862.1, residues 459-479): QLKSHMTQHK[Asn469Thr]EQVYKCVVKS

ClinVar aggregate classification (germline): Uncertain significance. Review status: criteria provided, multiple submitters, no conflicts (2 of 4 stars). 2 submissions from 2 submitters: Uncertain significance (2). Last evaluated 2026-04-07.

Allele frequency attached by ClinVar (database versions not stated): gnomAD exomes 0.00001; TOPMed 0.00001; ExAC 0.00002.

Submissions (2):

Women's Health and Genetics/Laboratory Corporation of America, LabCorp
Classification: Uncertain significance. Last evaluated: 2026-04-07. Review status: criteria provided, single submitter. Criteria: LabCorp Variant Classification Summary - May 2015. Collection method: clinical testing. Allele origin: germline.

Labcorp Genetics (formerly Invitae), Labcorp
Classification: Uncertain significance. Last evaluated: 2022-02-07. Review status: criteria provided, single submitter. Criteria: Invitae Variant Classification Sherloc (09022015). Collection method: clinical testing. Allele origin: germline.
Comment: In summary, the available evidence is currently insufficient to determine the role of this variant in disease. Therefore, it has been classified as a Variant of Uncertain Significance. Algorithms developed to predict the effect of missense changes on protein structure and function (SIFT, PolyPhen-2, Align-GVGD) all suggest that this variant is likely to be tolerated. This variant has not been reported in the literature in individuals affected with ZNF341-related conditions. This variant is present in population databases (rs777205163, gnomAD 0.02%). This sequence change replaces asparagine, which is neutral and polar, with threonine, which is neutral and polar, at codon 462 of the ZNF341 protein (p.Asn462Thr).